The following is an entry in ClinVar:

ClinVar aggregate classification (germline): Uncertain significance (1 of 4 stars; one submission).

Conditions:
Duane-radial ray syndrome (DRRS). Also called: Duane-Radial Ray Syndrome (DRRS) / Okihiro Syndrome; ACRORENOOCULAR SYNDROME; DR SYNDROME; DUANE ANOMALY WITH RADIAL RAY ABNORMALITIES AND DEAFNESS; Okihiro Syndrome; Duane-Radial Ray Syndrome/Okihiro Syndrome. Identifiers: Orphanet 93293, Orphanet 959, MedGen C1623209, MONDO:0011812, OMIM 607323. Disease mechanism: gain of function.

gnomAD v4.1: 14 of 1,614,058 alleles (0.00087%); highest among the groups gnomAD compares: South Asian, 0.015%; no homozygotes.

Submission:

Labcorp Genetics (formerly Invitae), Labcorp
Classification: Uncertain significance for Duane-radial ray syndrome. Last evaluated: 2025-10-31. Review status: criteria provided, single submitter. Criteria: Invitae Variant Classification Sherloc (09022015). Collection method: clinical testing. Allele origin: germline.
Comment: This sequence change replaces methionine, which is neutral and non-polar, with leucine, which is neutral and non-polar, at codon 640 of the SALL4 protein (p.Met640Leu). This variant is present in population databases (rs757219006, gnomAD 0.02%). This variant has not been reported in the literature in individuals affected with SALL4-related conditions. An algorithm developed to predict the effect of missense changes on protein structure and function outputs the following: PolyPhen-2: "Benign". The leucine amino acid residue is found in multiple mammalian species, which suggests that this missense change does not adversely affect protein function. In summary, the available evidence is currently insufficient to determine the role of this variant in disease. Therefore, it has been classified as a Variant of Uncertain Significance.

NM_020436.5(SALL4):c.1918A>T (p.Met640Leu)

Gene: SALL4 (spalt like transcription factor 4; minus strand). Cytogenetic location: 20q13.2.
Variant type: single nucleotide variant.
Coding change: c.1918A>T on transcript NM_020436.5 (MANE Select); coding-DNA position 1918, A replaced by T.
Protein change: p.Met640Leu; replaces methionine 640 with leucine.
Molecular consequence: missense variant. On other transcripts: intron variant (1).
Genome position (GRCh38, 1-based): chr20:51,790,565, T>A on the plus strand (A>T on the coding strand, the complement: SALL4 is on the minus strand). VCF-style: chr20-51790565-T-A. GRCh37 (hg19) VCF-style: chr20-50407104-T-A.
Other names: c.1150+768A>T (NM_001318031.2); short protein forms M640L.
Identifiers: ClinVar variation 4749589 (VCV004749589.1).